The following is an entry in ClinVar:

ClinVar aggregate classification (germline): Uncertain significance. Review status: criteria provided, multiple submitters, no conflicts (2 of 4 stars). 2 submissions from 2 submitters: Uncertain significance (2). Last evaluated 2026-07-08.

Conditions:
TBX1-related disorder. Also called: TBX1-related condition; TBX1-Related Disorders.
DiGeorge syndrome. Also called: Catch22; THIRD AND FOURTH PHARYNGEAL POUCH SYNDROME. Identifiers: Orphanet 567, MedGen C0012236, MONDO:0008564, OMIM 188400.

Submissions (2):

PreventionGenetics, part of Exact Sciences
Classification: Uncertain significance for TBX1-related condition. Last evaluated: 2026-07-08. Review status: criteria provided, single submitter. Criteria: ACMG Guidelines, 2015. Collection method: clinical testing. Allele origin: germline.
Comment: The TBX1 c.127C>A variant is predicted to result in the amino acid substitution p.Pro43Thr. To our knowledge, this variant has not been reported in the literature or in a large population database (gnomAD), indicating this variant is rare. At this time, the clinical significance of this variant is uncertain due to the absence of conclusive functional and genetic evidence.

Labcorp Genetics (formerly Invitae), Labcorp
Classification: Uncertain significance for DiGeorge syndrome. Last evaluated: 2023-01-25. Review status: criteria provided, single submitter. Criteria: Invitae Variant Classification Sherloc (09022015). Collection method: clinical testing. Allele origin: germline.
Comment: This variant has not been reported in the literature in individuals affected with TBX1-related conditions. In summary, the available evidence is currently insufficient to determine the role of this variant in disease. Therefore, it has been classified as a Variant of Uncertain Significance. Algorithms developed to predict the effect of missense changes on protein structure and function are either unavailable or do not agree on the potential impact of this missense change (SIFT: "Tolerated"; PolyPhen-2: "Not Available"; Align-GVGD: "Class C0"). The frequency data for this variant in the population databases is considered unreliable, as metrics indicate insufficient coverage at this position in the gnomAD database. This sequence change replaces proline, which is neutral and non-polar, with threonine, which is neutral and polar, at codon 43 of the TBX1 protein (p.Pro43Thr).

NM_001379200.1(TBX1):c.154C>A (p.Pro52Thr)

Gene: TBX1 (T-box transcription factor 1; plus strand). Cytogenetic location: 22q11.21.
Variant type: single nucleotide variant.
Coding change: c.154C>A on transcript NM_001379200.1 (MANE Select); coding-DNA position 154, C replaced by A.
Protein change: p.Pro52Thr; replaces proline 52 with threonine.
Molecular consequence: missense variant.
Genome position (GRCh38, 1-based): chr22:19,760,997, C>A. VCF-style: chr22-19760997-C-A. GRCh37 (hg19) VCF-style: chr22-19748520-C-A.
Other names: c.127C>A, p.Pro43Thr (NM_005992.1, NM_080646.2, NM_080647.1); short protein forms P43T, P52T.
Identifiers: ClinVar variation 2971791 (VCV002971791.4), dbSNP rs1044423719, ClinGen allele CA410681263.